The following is an entry in ClinVar:

ClinVar aggregate classification (germline): Uncertain significance. Review status: criteria provided, multiple submitters, no conflicts (2 of 4 stars). 2 submissions from 2 submitters: Uncertain significance (2). Last evaluated 2024-11-23.

Conditions:
Hereditary cancer-predisposing syndrome. Also called: Tumor predisposition; Neoplastic Syndromes, Hereditary; Hereditary Cancer Syndrome; Hereditary neoplastic syndrome. Identifiers: Orphanet 140162, MedGen C0027672, MeSH D009386, MONDO:0015356.

Submissions (2):

Ambry Genetics
Classification: Uncertain significance for Hereditary cancer-predisposing syndrome. Last evaluated: 2024-11-23. Review status: criteria provided, single submitter. Criteria: Ambry Variant Classification Scheme 2023. Collection method: clinical testing. Allele origin: germline.
Comment: The p.A55S variant (also known as c.163G>T), located in coding exon 2 of the RET gene, results from a G to T substitution at nucleotide position 163. The alanine at codon 55 is replaced by serine, an amino acid with similar properties. This amino acid position is conserved. In addition, this alteration is predicted to be tolerated by in silico analysis. Based on the available evidence, the clinical significance of this variant remains unclear.

Blueprint Genetics
Classification: Uncertain significance. Last evaluated: 2021-04-07. Review status: criteria provided, single submitter. Criteria: ACMG Guidelines, 2015. Collection method: clinical testing. Allele origin: germline.

NM_020975.6(RET):c.163G>T (p.Ala55Ser)

Gene: RET (ret proto-oncogene; plus strand). Cytogenetic location: 10q11.21.
Variant type: single nucleotide variant.
Coding change: c.163G>T on transcript NM_020975.6 (MANE Select); coding-DNA position 163, G replaced by T.
Protein change: p.Ala55Ser; replaces alanine 55 with serine.
Molecular consequence: missense variant. On other transcripts: intron variant (4).
Genome position (GRCh38, 1-based): chr10:43,100,548, G>T. VCF-style: chr10-43100548-G-T. GRCh37 (hg19) VCF-style: chr10-43595996-G-T.
Other names: c.163G>T, p.Ala55Ser (NM_001406743.1, NM_001406744.1, NM_001406759.1 and 32 more transcripts); c.74-8483G>T (NM_001406784.1); c.74-11551G>T (NM_001406794.1, NM_001406792.1, NM_001406793.1); short protein forms A55S.
Identifiers: ClinVar variation 3432296 (VCV003432296.2).